The following is an entry in ClinVar:

NM_014727.3(KMT2B):c.1573C>T (p.Arg525Trp)

Gene: KMT2B (lysine methyltransferase 2B; plus strand). Cytogenetic location: 19q13.12.
Variant type: single nucleotide variant.
Coding change: c.1573C>T on transcript NM_014727.3 (MANE Select); coding-DNA position 1573, C replaced by T.
Protein change: p.Arg525Trp; replaces arginine 525 with tryptophan.
Molecular consequence: missense variant.
Genome position (GRCh38, 1-based): chr19:35,720,920, C>T. VCF-style: chr19-35720920-C-T. GRCh37 (hg19) VCF-style: chr19-36211822-C-T.
Other names: short protein forms R525W.
Identifiers: ClinVar variation 2008698 (VCV002008698.4), dbSNP rs1375377258, ClinGen allele CA405392136.

ClinVar aggregate classification (germline): Uncertain significance (1 of 4 stars; one submission).

Allele frequency attached by ClinVar (database versions not stated): gnomAD 0.00001; gnomAD exomes 0.00001; TOPMed 0.00002.
gnomAD v4.1: 19 of 1,610,330 alleles (0.0012%); highest among the groups gnomAD compares: African/African-American, 0.0027%; 1 homozygote.

Submission:

Labcorp Genetics (formerly Invitae), Labcorp
Classification: Uncertain significance. Last evaluated: 2022-06-04. Review status: criteria provided, single submitter. Criteria: Invitae Variant Classification Sherloc (09022015). Collection method: clinical testing. Allele origin: germline.
Comment: This variant has not been reported in the literature in individuals affected with KMT2B-related conditions. In summary, the available evidence is currently insufficient to determine the role of this variant in disease. Therefore, it has been classified as a Variant of Uncertain Significance. Algorithms developed to predict the effect of missense changes on protein structure and function are either unavailable or do not agree on the potential impact of this missense change (SIFT: "Deleterious"; PolyPhen-2: "Not Available"; Align-GVGD: "Class C0"). This variant is not present in population databases (gnomAD no frequency). This sequence change replaces arginine, which is basic and polar, with tryptophan, which is neutral and slightly polar, at codon 525 of the KMT2B protein (p.Arg525Trp).